The following is an entry in ClinVar:

ClinVar aggregate classification (germline): Uncertain significance (1 of 4 stars; one submission).

Allele frequency attached by ClinVar (database versions not stated): gnomAD exomes 0.00001; ExAC 0.00002; TOPMed 0.00002.
gnomAD v4.1: 4 of 1,614,246 alleles (0.00025%); highest among the groups gnomAD compares: Admixed American, 0.0067%; no homozygotes.

Submission:

Labcorp Genetics (formerly Invitae), Labcorp
Classification: Uncertain significance. Last evaluated: 2024-10-24. Review status: criteria provided, single submitter. Criteria: Invitae Variant Classification Sherloc (09022015). Collection method: clinical testing. Allele origin: germline.
Comment: This sequence change replaces arginine, which is basic and polar, with lysine, which is basic and polar, at codon 634 of the ANKZF1 protein (p.Arg634Lys). This variant is present in population databases (rs759734685, gnomAD 0.01%). This variant has not been reported in the literature in individuals affected with ANKZF1-related conditions. ClinVar contains an entry for this variant (Variation ID: 1912119). An algorithm developed to predict the effect of missense changes on protein structure and function outputs the following: PolyPhen-2: "Benign". The lysine amino acid residue is found in multiple mammalian species, which suggests that this missense change does not adversely affect protein function. In summary, the available evidence is currently insufficient to determine the role of this variant in disease. Therefore, it has been classified as a Variant of Uncertain Significance.

NM_018089.3(ANKZF1):c.1901G>A (p.Arg634Lys)

Gene: ANKZF1 (ankyrin repeat and zinc finger peptidyl tRNA hydrolase 1; plus strand). Cytogenetic location: 2q35.
Variant type: single nucleotide variant.
Coding change: c.1901G>A on transcript NM_018089.3 (MANE Select); coding-DNA position 1901, G replaced by A.
Protein change: p.Arg634Lys; replaces arginine 634 with lysine.
Molecular consequence: missense variant.
Genome position (GRCh38, 1-based): chr2:219,235,805, G>A. VCF-style: chr2-219235805-G-A. GRCh37 (hg19) VCF-style: chr2-220100527-G-A.
Other names: c.1901G>A, p.Arg634Lys (NM_001042410.2); c.1271G>A, p.Arg424Lys (NM_001282792.2); short protein forms R424K, R634K.
Identifiers: ClinVar variation 1912119 (VCV001912119.5), dbSNP rs759734685, ClinGen allele CA2121222.